The following is an entry in ClinVar:

NM_000181.4(GUSB):c.812C>A (p.Ala271Glu)

Gene: GUSB (glucuronidase beta; minus strand). Cytogenetic location: 7q11.21.
Variant type: single nucleotide variant.
Coding change: c.812C>A on transcript NM_000181.4 (MANE Select); coding-DNA position 812, C replaced by A.
Protein change: p.Ala271Glu; replaces alanine 271 with glutamic acid.
Molecular consequence: missense variant. On other transcripts: non-coding transcript variant (1), intron variant (1).
Genome position (GRCh38, 1-based): chr7:65,976,115, G>T on the plus strand (C>A on the coding strand, the complement: GUSB is on the minus strand). VCF-style: chr7-65976115-G-T. GRCh37 (hg19) VCF-style: chr7-65441102-G-T.
Other names: c.242C>A, p.Ala81Glu (NM_001293104.2); c.155C>A, p.Ala52Glu (NM_001293105.2); c.475-1044C>A (NM_001284290.2); short protein forms A271E, A52E, A81E.
Identifiers: ClinVar variation 2060223 (VCV002060223.1), dbSNP rs369465888, ClinGen allele CA367646450.

ClinVar aggregate classification (germline): Uncertain significance (1 of 4 stars; one submission).

Conditions:
Mucopolysaccharidosis type 7 (MPS7). Also called: GUSB DEFICIENCY; SLY SYNDROME; MPS VII; BETA-GLUCURONIDASE DEFICIENCY. Identifiers: Orphanet 584, MedGen C0085132, MONDO:0009662, OMIM 253220.

gnomAD v4.1: 10 of 1,613,578 alleles (0.00062%); highest among the groups gnomAD compares: Non-Finnish European, 0.00076%; no homozygotes.

Submission:

Labcorp Genetics (formerly Invitae), Labcorp
Classification: Uncertain significance for Mucopolysaccharidosis type 7. Last evaluated: 2022-08-01. Review status: criteria provided, single submitter. Criteria: Invitae Variant Classification Sherloc (09022015). Collection method: clinical testing. Allele origin: germline.
Comment: This sequence change replaces alanine, which is neutral and non-polar, with glutamic acid, which is acidic and polar, at codon 271 of the GUSB protein (p.Ala271Glu). This variant is not present in population databases (gnomAD no frequency). This variant has not been reported in the literature in individuals affected with GUSB-related conditions. Algorithms developed to predict the effect of missense changes on protein structure and function are either unavailable or do not agree on the potential impact of this missense change (SIFT: "Tolerated"; PolyPhen-2: "Probably Damaging"; Align-GVGD: "Class C0"). In summary, the available evidence is currently insufficient to determine the role of this variant in disease. Therefore, it has been classified as a Variant of Uncertain Significance.